The following is an entry in ClinVar:

NM_004304.5(ALK):c.3065T>G (p.Ile1022Ser)

Gene: ALK (ALK receptor tyrosine kinase; minus strand). Cytogenetic location: 2p23.2.
Variant type: single nucleotide variant.
Coding change: c.3065T>G on transcript NM_004304.5 (MANE Select); coding-DNA position 3065, T replaced by G.
Protein change: p.Ile1022Ser; replaces isoleucine 1022 with serine.
Molecular consequence: missense variant.
Genome position (GRCh38, 1-based): chr2:29,226,924, A>C on the plus strand (T>G on the coding strand, the complement: ALK is on the minus strand). VCF-style: chr2-29226924-A-C. GRCh37 (hg19) VCF-style: chr2-29449790-A-C.
Other names: short protein forms I1022S.
Identifiers: ClinVar variation 1025790 (VCV001025790.8), dbSNP rs778643763, ClinGen allele CA346467529.

ClinVar aggregate classification (germline): Uncertain significance (1 of 4 stars; one submission).

Conditions:
Neuroblastoma, susceptibility to, 3. Also called: ALK-Related Neuroblastic Tumor Susceptibility. Identifiers: Orphanet 635, MedGen C2751681, MONDO:0013083, OMIM 613014.

Submission:

Labcorp Genetics (formerly Invitae), Labcorp
Classification: Uncertain significance for Neuroblastoma, susceptibility to, 3. Last evaluated: 2020-07-29. Review status: criteria provided, single submitter. Criteria: Invitae Variant Classification Sherloc (09022015). Collection method: clinical testing. Allele origin: germline.
Comment: This variant is not present in population databases (ExAC no frequency). This sequence change replaces isoleucine with serine at codon 1022 of the ALK protein (p.Ile1022Ser). The isoleucine residue is highly conserved and there is a large physicochemical difference between isoleucine and serine. This variant has not been reported in the literature in individuals with ALK-related conditions. In summary, the available evidence is currently insufficient to determine the role of this variant in disease. Therefore, it has been classified as a Variant of Uncertain Significance. Algorithms developed to predict the effect of sequence changes on RNA splicing suggest that this variant may create or strengthen a splice site, but this prediction has not been confirmed by published transcriptional studies. Algorithms developed to predict the effect of missense changes on protein structure and function are either unavailable or do not agree on the potential impact of this missense change (SIFT: "Deleterious"; PolyPhen-2: "Benign"; Align-GVGD: "Class C35").